The following is an entry in ClinVar:

NM_003041.4(SLC5A2):c.907dup (p.Ala303fs)

Gene: SLC5A2 (solute carrier family 5 member 2; plus strand). Cytogenetic location: 16p11.2.
Variant type: Duplication.
Coding change: c.907dup on transcript NM_003041.4 (MANE Select); coding-DNA position 907, one base duplicated (G; older notation c.907dupG).
Protein change: p.Ala303fs; shifts the reading frame from alanine 303.
Molecular consequence: frameshift variant. On other transcripts: non-coding transcript variant (1).
Genome position (GRCh38, 1-based): chr16:31,488,059, G duplicated; the last of 2 consecutive G bases (chr16:31,488,058-31,488,059); duplicating either gives the same sequence. VCF-style (leftmost placement, unchanged base first): chr16-31488057-T-TG. GRCh37 (hg19) VCF-style: chr16-31499378-T-TG.
Other names: short protein forms A303fs.
Identifiers: ClinVar variation 5018619 (VCV005018619.2).
Genomic context (GRCh38, chr16:31,488,057, plus strand): 5'-GGGGAGGCCCGCAAGCGGGCAGCTGAACGCCCCTCCCGTAGGTCATCGTGCAGCGCTGCC[T>TG]GGCCGGGAAGAGCCTGACCCACATCAAGGCGGGCTGCATCCTGTGTGGGTACCTGAAGCT-3'

ClinVar aggregate classification (germline): Likely pathogenic (1 of 4 stars; one submission).

Conditions:
Familial renal glucosuria (GLYS). Also called: Familial renal glycosuria; RENAL GLUCOSURIA, AUTOSOMAL DOMINANT. Identifiers: Orphanet 69076, MedGen C3245525, MONDO:0009297, OMIM 233100.

Submission:

Juno Genomics, Hangzhou Juno Genomics, Inc
Classification: Likely pathogenic for Familial renal glucosuria. Review status: criteria provided, single submitter. Criteria: ACMG Guidelines, 2015. Collection method: clinical testing. Allele origin: germline.
Comment: Absent from controls (or at extremely low frequency if recessive) in Genome Aggregation Database.;Null variant in a gene where loss of function (LOF) is a known mechanism of disease.